The following is an entry in ClinVar:

NM_000038.6(APC):c.8061A>G (p.Ser2687=)

Gene: APC (APC regulator of Wnt signaling pathway; plus strand). Cytogenetic location: 5q22.2.
Variant type: single nucleotide variant.
Coding change: c.8061A>G on transcript NM_000038.6 (MANE Select); coding-DNA position 8061, A replaced by G.
Protein change: p.Ser2687=; no amino-acid change (serine 2687 retained).
Molecular consequence: synonymous variant.
Genome position (GRCh38, 1-based): chr5:112,843,655, A>G. VCF-style: chr5-112843655-A-G. GRCh37 (hg19) VCF-style: chr5-112179352-A-G.
Other names: c.8061A>G, p.Ser2687= (NM_001127510.3, NM_001354895.2); c.8007A>G, p.Ser2669= (NM_001127511.3); c.8115A>G, p.Ser2705= (NM_001354896.2); c.8091A>G, p.Ser2697= (NM_001354897.2); c.7986A>G, p.Ser2662= (NM_001354898.2); c.7977A>G, p.Ser2659= (NM_001354899.2); c.7938A>G, p.Ser2646= (NM_001354900.2); c.7884A>G, p.Ser2628= (NM_001354901.2); and 5 more.
Identifiers: ClinVar variation 377494 (VCV000377494.24), dbSNP rs746180965, ClinGen allele CA049818.
Genomic context (GRCh38, chr5:112,843,655, plus strand): 5'-CAATCCTAGATCTGGAAGATCTCCCACAGGTAATACTCCCCCGGTGATTGACAGTGTTTC[A>G]GAAAAGGCAAATCCAAACATTAAAGATTCAAAAGATAATCAGGCAAAACAAAATGTGGGT-3'
Protein context (NP_000029.2, residues 2677-2697): GNTPPVIDSV[Ser2687=]EKANPNIKDS

ClinVar aggregate classification (germline): Benign/Likely benign. Review status: criteria provided, multiple submitters, no conflicts (2 of 4 stars). 9 submissions from 9 submitters: Benign (2); Likely benign (7). Last evaluated 2025-11-24.

Conditions:
Classic or attenuated familial adenomatous polyposis. Identifiers: MedGen CN372698, MONDO:0021057.
Hereditary cancer-predisposing syndrome. Also called: Hereditary neoplastic syndrome; Hereditary Cancer Syndrome; Neoplastic Syndromes, Hereditary; Tumor predisposition. Identifiers: Orphanet 140162, MedGen C0027672, MeSH D009386, MONDO:0015356.
Familial adenomatous polyposis 1 (FAP1). Also called: FAMILIAL ADENOMATOUS POLYPOSIS 1, ATTENUATED; POLYPOSIS, ADENOMATOUS INTESTINAL. Identifiers: MedGen C2713442, MONDO:0021056, OMIM 175100. Disease mechanism: loss of function.

Allele frequency attached by ClinVar (database versions not stated): gnomAD exomes 0.00002; ExAC 0.00003; gnomAD 0.00003 and 0.00004; TOPMed 0.00003.
gnomAD v4.1: 32 of 1,613,860 alleles (0.002%); highest among the groups gnomAD compares: Admixed American, 0.0067%; no homozygotes.

Submissions (9):

Labcorp Genetics (formerly Invitae), Labcorp
Classification: Likely benign for Familial adenomatous polyposis 1. Last evaluated: 2025-11-24. Review status: criteria provided, single submitter. Criteria: Invitae Variant Classification Sherloc (09022015). Collection method: clinical testing. Allele origin: germline.

Center for Genomic Medicine, Rigshospitalet, Copenhagen University Hospital
Classification: Likely benign. Last evaluated: 2025-03-04. Review status: criteria provided, single submitter. Criteria: ACMG Guidelines, 2015. Collection method: clinical testing. Allele origin: germline.

All of Us Research Program, National Institutes of Health
Classification: Likely benign for Classic or attenuated familial adenomatous polyposis. Last evaluated: 2024-08-06. Review status: criteria provided, single submitter. Criteria: ACMG Guidelines, 2015. Collection method: clinical testing. Allele origin: germline. Inheritance: Autosomal dominant inheritance. Observed: 9 variant alleles, 9 heterozygotes.
Comment: This study involves interpretation of variants in research participants for the purpose of population health screening. Participant phenotype was not available at the time of variant classification. Additional details can be found in publication PMID: 35346344, PMCID: PMC8962531

Myriad Genetics, Inc.
Classification: Benign for Familial adenomatous polyposis 1. Last evaluated: 2024-04-12. Review status: criteria provided, single submitter. Criteria: Myriad Autosomal Dominant, Autosomal Recessive and X-Linked Classification Criteria (2023). Collection method: clinical testing. Allele origin: unknown.
Comment: This variant is considered benign. This variant is a silent/synonymous amino acid change and it is not expected to impact splicing.

Quest Diagnostics Nichols Institute San Juan Capistrano
Classification: Likely benign. Last evaluated: 2023-08-30. Review status: criteria provided, single submitter. Criteria: Quest Diagnostics criteria. Collection method: clinical testing. Allele origin: unknown.

Women's Health and Genetics/Laboratory Corporation of America, LabCorp
Classification: Likely benign. Last evaluated: 2017-05-22. Review status: criteria provided, single submitter. Criteria: LabCorp Variant Classification Summary - May 2015. Collection method: clinical testing. Allele origin: germline.
Comment: Variant summary: The APC c.8061A>G (p.Ser2687Ser) variant involves the alteration of a non-conserved nucleotide, resulting in a synonymous change. One in silico tool predicts a damaging outcome for this variant. 3/5 splice prediction tools predict no significant impact on normal splicing. However, these predictions have yet to be confirmed by functional studies. This variant was found in 4/121330 control chromosomes, predominantly observed in the Latino subpopulation at a frequency of 0.000259 (3/11574). This frequency is about 4 times the estimated maximal expected allele frequency of a pathogenic APC variant (0.0000714), suggesting this is likely a benign polymorphism found primarily in the populations of Latino origin. In addition, one other clinical diagnostic laboratory classified this variant as benign. The variant of interest has not, to our knowledge, been reported in affected individuals via publications and/or reputable databases/clinical diagnostic laboratories; nor evaluated for functional impact by in vivo/vitro studies. Taken together, this variant is classified as likely benign.

Color Diagnostics, LLC DBA Color Health
Classification: Likely benign for Hereditary cancer-predisposing syndrome. Last evaluated: 2016-07-14. Review status: criteria provided, single submitter. Criteria: ACMG Guidelines, 2015. Collection method: clinical testing. Allele origin: germline.

Ambry Genetics
Classification: Likely benign for Hereditary cancer-predisposing syndrome. Last evaluated: 2015-10-15. Review status: criteria provided, single submitter. Criteria: Ambry Variant Classification Scheme 2023. Collection method: clinical testing. Allele origin: germline.

GeneDx
Classification: Benign. Last evaluated: 2015-03-20. Review status: criteria provided, single submitter. Criteria: GeneDx Variant Classification (06012015). Collection method: clinical testing. Allele origin: germline. Affected: yes.
Comment: This variant is considered likely benign or benign based on one or more of the following criteria: it is a conservative change, it occurs at a poorly conserved position in the protein, it is predicted to be benign by multiple in silico algorithms, and/or has population frequency not consistent with disease.